The following is an entry in ClinVar:

NM_000059.4(BRCA2):c.8513T>G (p.Leu2838Ter)

Gene: BRCA2 (BRCA2 DNA repair associated; plus strand). Cytogenetic location: 13q13.1.
Variant type: single nucleotide variant.
Coding change: c.8513T>G on transcript NM_000059.4 (MANE Select); coding-DNA position 8513, T replaced by G.
Protein change: p.Leu2838Ter; replaces leucine 2838 with a stop codon.
Molecular consequence: nonsense.
Genome position (GRCh38, 1-based): chr13:32,370,981, T>G. VCF-style: chr13-32370981-T-G. GRCh37 (hg19) VCF-style: chr13-32945118-T-G.
Other names: 8741T>G; short protein forms L2838*.
Identifiers: ClinVar variation 267093 (VCV000267093.6), dbSNP rs886040779, ClinGen allele CA10589503.
Genomic context (GRCh38, chr13:32,370,981, plus strand): 5'-GTGACTTTTTTGGTGTGTGTAACACATTATTACAGTGGATGGAGAAGACATCATCTGGAT[T>G]ATACATATTTCGCAATGAAAGAGAGGAAGAAAAGGAAGCAGCAAAATATGTGGAGGCCCA-3'

ClinVar aggregate classification (germline): Pathogenic. Review status: reviewed by expert panel (3 of 4 stars). 3 submissions from 3 submitters: Pathogenic (1). 2 of the submissions do not count toward it. Last evaluated 2016-10-18.

Conditions:
Breast-ovarian cancer, familial, susceptibility to, 2 (BROVCA2). Also called: BRCA2 Hereditary Breast and Ovarian Cancer. Identifiers: Orphanet 145, MedGen C2675520, MONDO:0012933, OMIM 612555. Disease mechanism: loss of function.

Submissions (3):

Evidence-based Network for the Interpretation of Germline Mutant Alleles (ENIGMA)
Classification: Pathogenic for Breast-ovarian cancer, familial, susceptibility to, 2. Last evaluated: 2016-10-18. Review status: reviewed by expert panel. Criteria: ENIGMA BRCA1/2 Classification Criteria (2015). Collection method: curation. Allele origin: germline.
Comment: Variant allele predicted to encode a truncated non-functional protein.

Clinical Genetics and Genomics, Karolinska University Hospital
Classification: Pathogenic. Last evaluated: 2016-07-04. Review status: criteria provided, single submitter. Criteria: ACMG Guidelines, 2015. Collection method: clinical testing. Allele origin: germline. Affected: yes. Observed: 1 variant allele. Not counted in ClinVar's aggregate classification.

BRCAlab, Lund University
Classification: Pathogenic for Breast-ovarian cancer, familial, susceptibility to, 2. Last evaluated: 2020-03-02. Review status: no assertion criteria provided. Collection method: clinical testing. Allele origin: germline. Affected: yes. Not counted in ClinVar's aggregate classification.